The following is an entry in ClinVar:

ClinVar aggregate classification (germline): Uncertain significance (1 of 4 stars; one submission).

Submission:

Labcorp Genetics (formerly Invitae), Labcorp
Classification: Uncertain significance. Last evaluated: 2022-02-24. Review status: criteria provided, single submitter. Criteria: Invitae Variant Classification Sherloc (09022015). Collection method: clinical testing. Allele origin: germline.
Comment: In summary, the available evidence is currently insufficient to determine the role of this variant in disease. Therefore, it has been classified as a Variant of Uncertain Significance. Algorithms developed to predict the effect of missense changes on protein structure and function (SIFT, PolyPhen-2, Align-GVGD) all suggest that this variant is likely to be disruptive. This variant has not been reported in the literature in individuals affected with CDH2-related conditions. This variant is not present in population databases (gnomAD no frequency). This sequence change replaces glycine, which is neutral and non-polar, with arginine, which is basic and polar, at codon 424 of the CDH2 protein (p.Gly424Arg).

NM_001792.5(CDH2):c.1270G>C (p.Gly424Arg)

Gene: CDH2 (cadherin 2; minus strand). Cytogenetic location: 18q12.1.
Variant type: single nucleotide variant.
Coding change: c.1270G>C on transcript NM_001792.5 (MANE Select); coding-DNA position 1270, G replaced by C.
Protein change: p.Gly424Arg; replaces glycine 424 with arginine.
Molecular consequence: missense variant.
Genome position (GRCh38, 1-based): chr18:27,992,729, C>G on the plus strand (G>C on the coding strand, the complement: CDH2 is on the minus strand). VCF-style: chr18-27992729-C-G. GRCh37 (hg19) VCF-style: chr18-25572693-C-G.
Other names: c.1177G>C, p.Gly393Arg (NM_001308176.2); short protein forms G393R, G424R.
Identifiers: ClinVar variation 2103141 (VCV002103141.4), dbSNP rs2510799134, ClinGen allele CA402109978.